The following is an entry in ClinVar:

ClinVar aggregate classification (germline): Uncertain significance (1 of 4 stars; one submission).

Conditions:
Aortic aneurysm, familial thoracic 4 (AAT4). Also called: AORTIC ANEURYSM/AORTIC DISSECTION AND PATENT DUCTUS ARTERIOSUS. Identifiers: MedGen C1851504, MONDO:0007568, OMIM 132900.

Submission:

Labcorp Genetics (formerly Invitae), Labcorp
Classification: Uncertain significance for Aortic aneurysm, familial thoracic 4. Last evaluated: 2024-04-15. Review status: criteria provided, single submitter. Criteria: Invitae Variant Classification Sherloc (09022015). Collection method: clinical testing. Allele origin: germline.
Comment: This sequence change replaces glutamic acid, which is acidic and polar, with glutamine, which is neutral and polar, at codon 170 of the MYH11 protein (p.Glu170Gln). This variant is not present in population databases (gnomAD no frequency). This variant has not been reported in the literature in individuals affected with MYH11-related conditions. Advanced modeling of protein sequence and biophysical properties (such as structural, functional, and spatial information, amino acid conservation, physicochemical variation, residue mobility, and thermodynamic stability) performed at Invitae indicates that this missense variant is not expected to disrupt MYH11 protein function with a negative predictive value of 95%. In summary, the available evidence is currently insufficient to determine the role of this variant in disease. Therefore, it has been classified as a Variant of Uncertain Significance.

NM_002474.3(MYH11):c.508G>C (p.Glu170Gln)

Gene: MYH11 (myosin heavy chain 11; minus strand). Cytogenetic location: 16p13.11.
Variant type: single nucleotide variant.
Coding change: c.508G>C on transcript NM_002474.3 (MANE Select); coding-DNA position 508, G replaced by C.
Protein change: p.Glu170Gln; replaces glutamic acid 170 with glutamine.
Molecular consequence: missense variant.
Genome position (GRCh38, 1-based): chr16:15,798,682, C>G on the plus strand (G>C on the coding strand, the complement: MYH11 is on the minus strand). VCF-style: chr16-15798682-C-G. GRCh37 (hg19) VCF-style: chr16-15892539-C-G.
Other names: c.508G>C, p.Glu170Gln (NM_001040113.2, NM_001040114.2, NM_022844.3); short protein forms E170Q.
Identifiers: ClinVar variation 3629064 (VCV003629064.2).